The following is an entry in ClinVar:

ClinVar aggregate classification (germline): Uncertain significance. Review status: criteria provided, multiple submitters, no conflicts (2 of 4 stars). 3 submissions from 3 submitters: Uncertain significance (3). Last evaluated 2026-04-23.

Conditions:
Familial thoracic aortic aneurysm and aortic dissection (TAAD). Also called: Thoracic aortic aneurysms and dissections. Identifiers: Orphanet 91387, MedGen C4707243, MONDO:0019625.
Hereditary cancer-predisposing syndrome. Also called: Tumor predisposition; Hereditary Cancer Syndrome; Hereditary neoplastic syndrome; Neoplastic Syndromes, Hereditary. Identifiers: Orphanet 140162, MedGen C0027672, MeSH D009386, MONDO:0015356.
Juvenile polyposis syndrome (JPS). Identifiers: Orphanet 2929, MedGen C0345893, MONDO:0017380, OMIM 174900.

Allele frequency attached by ClinVar (database versions not stated): gnomAD exomes 0.00001.
gnomAD v4.1: 5 of 1,613,858 alleles (0.00031%); highest among the groups gnomAD compares: Non-Finnish European, 0.00042%; no homozygotes.

Submissions (3):

Women's Health and Genetics/Laboratory Corporation of America, LabCorp
Classification: Uncertain significance. Last evaluated: 2026-04-23. Review status: criteria provided, single submitter. Criteria: LabCorp Variant Classification Summary - May 2015. Collection method: clinical testing. Allele origin: germline.
Comment: Variant summary: SMAD4 c.829A>G (p.Thr277Ala) results in a non-conservative amino acid change in the encoded protein sequence. Algorithms developed to predict the effect of missense changes on protein structure and function are either unavailable or do not agree on the potential impact of this missense change. The variant was absent in 251490 control chromosomes. The available data on variant occurrences in the general population are insufficient to allow any conclusion about variant significance. To our knowledge, no occurrence of c.829A>G in individuals affected with SMAD4-related conditions has been reported. At least one publication reports experimental evidence evaluating an impact on protein function, and causes loss of phosphorylation and decrease of the TGF-beta/SMAD4 pathway activity (Roelen_2003). The following publications have been ascertained in the context of this evaluation (PMID: 15314162, 12801888). ClinVar contains an entry for this variant (Variation ID: 496291). Based on the evidence outlined above, the variant was classified as uncertain significance.

Ambry Genetics
Classification: Uncertain significance for Hereditary cancer-predisposing syndrome; Familial thoracic aortic aneurysm and aortic dissection. Last evaluated: 2024-08-21. Review status: criteria provided, single submitter. Criteria: Ambry Variant Classification Scheme 2023. Collection method: clinical testing. Allele origin: germline.
Comment: The p.T277A variant (also known as c.829A>G), located in coding exon 6 of the SMAD4 gene, results from an A to G substitution at nucleotide position 829. The threonine at codon 277 is replaced by alanine, an amino acid with similar properties. This amino acid position is well conserved in available vertebrate species. In addition, this alteration is predicted to be tolerated by in silico analysis. Based on the available evidence, the clinical significance of this variant remains unclear.

Labcorp Genetics (formerly Invitae), Labcorp
Classification: Uncertain significance for Juvenile polyposis syndrome. Last evaluated: 2021-02-17. Review status: criteria provided, single submitter. Criteria: Invitae Variant Classification Sherloc (09022015). Collection method: clinical testing. Allele origin: germline.
Comment: This variant is not present in population databases (ExAC no frequency). In summary, the available evidence is currently insufficient to determine the role of this variant in disease. Therefore, it has been classified as a Variant of Uncertain Significance. Advanced modeling of protein sequence and biophysical properties (such as structural, functional, and spatial information, amino acid conservation, physicochemical variation, residue mobility, and thermodynamic stability) performed at Invitae indicates that this missense variant is not expected to disrupt SMAD4 protein function. This variant has not been reported in the literature in individuals with SMAD4-related conditions. ClinVar contains an entry for this variant (Variation ID: 496291). This sequence change replaces threonine with alanine at codon 277 of the SMAD4 protein (p.Thr277Ala). The threonine residue is moderately conserved and there is a small physicochemical difference between threonine and alanine.

Literature cited by the submitters: PubMed 25373906 (cited by Women's Health and Genetics/Laboratory Corporation of America, LabCorp); PubMed 15314162 (cited by Women's Health and Genetics/Laboratory Corporation of America, LabCorp); PubMed 12801888 (cited by Women's Health and Genetics/Laboratory Corporation of America, LabCorp).

NM_005359.6(SMAD4):c.829A>G (p.Thr277Ala)

Gene: SMAD4 (SMAD family member 4; plus strand). Cytogenetic location: 18q21.2.
Variant type: single nucleotide variant.
Coding change: c.829A>G on transcript NM_005359.6 (MANE Select); coding-DNA position 829, A replaced by G.
Protein change: p.Thr277Ala; replaces threonine 277 with alanine.
Molecular consequence: missense variant.
Genome position (GRCh38, 1-based): chr18:51,058,381, A>G. VCF-style: chr18-51058381-A-G. GRCh37 (hg19) VCF-style: chr18-48584751-A-G.
Other names: short protein forms T277A.
Identifiers: ClinVar variation 496291 (VCV000496291.10), dbSNP rs1555685960, ClinGen allele CA402463417.